The following is an entry in ClinVar:

ClinVar aggregate classification (germline): Uncertain significance (1 of 4 stars; one submission).

Submission:

Labcorp Genetics (formerly Invitae), Labcorp
Classification: Uncertain significance. Last evaluated: 2023-01-05. Review status: criteria provided, single submitter. Criteria: Invitae Variant Classification Sherloc (09022015). Collection method: clinical testing. Allele origin: germline.
Comment: In summary, the available evidence is currently insufficient to determine the role of this variant in disease. Therefore, it has been classified as a Variant of Uncertain Significance. This variant has not been reported in the literature in individuals affected with GNB3-related conditions. This variant is not present in population databases (gnomAD no frequency). This sequence change creates a premature translational stop signal (p.Val43Cysfs*7) in the GNB3 gene. It is expected to result in an absent or disrupted protein product. However, the current clinical and genetic evidence is not sufficient to establish whether loss-of-function variants in GNB3 cause disease.

NM_002075.4(GNB3):c.127_133del (p.Val43fs)

Gene: GNB3 (G protein subunit beta 3; plus strand). Cytogenetic location: 12p13.31.
Variant type: Deletion.
Coding change: c.127_133del on transcript NM_002075.4 (MANE Select); coding-DNA positions 127 to 133, 7 bases deleted (GTCCAGA; older notation c.127_133delGTCCAGA).
Protein change: p.Val43fs; shifts the reading frame from valine 43.
Molecular consequence: frameshift variant.
Genome position (GRCh38, 1-based): chr12:6,843,000-6,843,006, GTCCAGA deleted; deleting any 7 consecutive bases within chr12:6,842,998-6,843,006 gives the same sequence; the c. name uses the placement nearest the transcript's 3' end. VCF-style (leftmost placement, unchanged base first): chr12-6842997-CGAGTCCA-C. GRCh37 (hg19) VCF-style: chr12-6952161-CGAGTCCA-C.
Other names: c.127_133del, p.Val43fs (NM_001297571.2); short protein forms V43fs.
Identifiers: ClinVar variation 2825246 (VCV002825246.3), dbSNP rs2542347948, ClinGen allele CA2739271841.